The following is an entry in ClinVar:

ClinVar aggregate classification (germline): Uncertain significance (1 of 4 stars; one submission).

gnomAD v4.1: 1 of 1,613,462 alleles (0.000062%); no homozygotes.

Submission:

GeneDx
Classification: Uncertain significance. Last evaluated: 2026-04-15. Review status: criteria provided, single submitter. Criteria: GeneDx Variant Classification Process June 2021. Collection method: clinical testing. Allele origin: germline.
Comment: Not observed at significant frequency in large population cohorts (gnomAD); In silico analysis supports that this missense variant has a deleterious effect on protein structure/function; Has not been previously published as pathogenic or benign to our knowledge.

NM_001297595.2(SIN3B):c.2824G>A (p.Glu942Lys)

Gene: SIN3B (SIN3 transcription regulator family member B; plus strand). Cytogenetic location: 19p13.11.
Variant type: single nucleotide variant.
Coding change: c.2824G>A on transcript NM_001297595.2 (MANE Select); coding-DNA position 2824, G replaced by A.
Protein change: p.Glu942Lys; replaces glutamic acid 942 with lysine.
Molecular consequence: missense variant.
Genome position (GRCh38, 1-based): chr19:16,876,543, G>A. VCF-style: chr19-16876543-G-A. GRCh37 (hg19) VCF-style: chr19-16987354-G-A.
Other names: c.1594G>A, p.Glu532Lys (NM_001297597.2); c.2920G>A, p.Glu974Lys (NM_015260.4); short protein forms E532K, E942K, E974K.
Identifiers: ClinVar variation 5037099 (VCV005037099.1).